The following is an entry in ClinVar:

ClinVar aggregate classification (germline): Conflicting classifications of pathogenicity. Review status: criteria provided, conflicting classifications (1 of 4 stars). 9 submissions from 9 submitters: Uncertain significance (2); Likely benign (6). 1 of the submissions does not count toward it. Last evaluated 2026-03-30.

Conditions:
MSH3-related disorder. Also called: MSH3-related condition.
Endometrial carcinoma. Also called: Endometrial carcinoma, somatic. Identifiers: MedGen C0476089, MONDO:0002447, OMIM 608089, HP:0012114.
Hereditary cancer-predisposing syndrome. Also called: Neoplastic Syndromes, Hereditary; Hereditary Cancer Syndrome; Tumor predisposition; Hereditary neoplastic syndrome. Identifiers: Orphanet 140162, MedGen C0027672, MeSH D009386, MONDO:0015356.

Allele frequency attached by ClinVar (database versions not stated): gnomAD exomes 0.00008 and 0.00020; ExAC 0.00032; ESP Exome Variant Server 0.00085; gnomAD 0.00098 and 0.00105; TOPMed 0.00108; 1000 Genomes Project 0.00140; 1000 Genomes Project 30x 0.00172.
gnomAD v4.1: 279 of 1,613,854 alleles (0.017%); highest among the groups gnomAD compares: African/African-American, 0.35%; 2 homozygotes.

Submissions (9):

Dasa
Classification: Likely benign. Last evaluated: 2026-03-30. Review status: criteria provided, single submitter. Criteria: DASA Assertion Criteria. Collection method: clinical testing. Allele origin: germline.
Comment: NM_002439.5(MSH3):c.1160T>A (p.Phe387Tyr) is a missense variant that results in the substitution of phenylalanine with tyrosine. Population frequency is inconsistent with a disease-causing role for this variant, and observations in unaffected individuals support a benign interpretation. Computational prediction algorithms are consistent with a benign effect. Therefore, based on the currently available evidence, this variant is classified as likely benign.

Labcorp Genetics (formerly Invitae), Labcorp
Classification: Likely benign. Last evaluated: 2026-01-31. Review status: criteria provided, single submitter. Criteria: Invitae Variant Classification Sherloc (09022015). Collection method: clinical testing. Allele origin: germline.

Ambry Genetics
Classification: Likely benign for Hereditary cancer-predisposing syndrome. Last evaluated: 2025-04-14. Review status: criteria provided, single submitter. Criteria: Ambry Variant Classification Scheme 2023. Collection method: clinical testing. Allele origin: germline.

Quest Diagnostics Nichols Institute San Juan Capistrano
Classification: Likely benign. Last evaluated: 2025-04-09. Review status: criteria provided, single submitter. Criteria: Quest Diagnostics criteria. Collection method: clinical testing. Allele origin: unknown.

Blueprint Genetics
Classification: Likely benign. Last evaluated: 2023-06-13. Review status: criteria provided, single submitter. Criteria: ACMG Guidelines, 2015. Collection method: clinical testing. Allele origin: germline.

Department of Pathology and Laboratory Medicine, Sinai Health System
Classification: Likely benign for Endometrial carcinoma. Last evaluated: 2023-05-30. Review status: criteria provided, single submitter. Criteria: ACMG Guidelines, 2015. Collection method: clinical testing. Allele origin: germline. Affected: yes.

GeneDx
Classification: Uncertain significance. Last evaluated: 2022-01-28. Review status: criteria provided, single submitter. Criteria: GeneDx Variant Classification Process June 2021. Collection method: clinical testing. Allele origin: germline. Affected: yes.
Comment: In silico analysis supports that this missense variant does not alter protein structure/function; Has not been previously published as pathogenic or benign to our knowledge

Sema4
Classification: Uncertain significance for Hereditary cancer-predisposing syndrome. Last evaluated: 2021-09-01. Review status: criteria provided, single submitter. Criteria: Sema4 Curation Guidelines. Collection method: curation. Allele origin: germline.
Comment: The MSH3 c.1160T>A (p.F387Y) variant has not been reported in the literature to our knowledge. It was observed in 78/24952 chromosomes of the African/African American subpopulation, with one homozygote, in the large and broad cohorts of the Genome Aggregation Database (PMID: 32461654). The variant has been reported in ClinVar (Variation ID 733688). Functional studies have not been performed, and in silico predictions of the variant's effect on protein function are inconclusive. The evidence is insufficient to meet ACMG/AMP criteria for classifying the variant as benign or pathogenic. Thus, the clinical significance of this variant is currently uncertain.

PreventionGenetics, part of Exact Sciences
Classification: Likely benign for MSH3-related condition. Last evaluated: 2022-04-14. Review status: no assertion criteria provided. Collection method: clinical testing. Allele origin: germline. Not counted in ClinVar's aggregate classification.
Comment: This variant is classified as likely benign based on ACMG/AMP sequence variant interpretation guidelines (Richards et al. 2015 PMID: 25741868, with internal and published modifications).

Literature cited by the submitters: PubMed 28944238 (cited by Quest Diagnostics Nichols Institute San Juan Capistrano); PubMed 31911633 (cited by Quest Diagnostics Nichols Institute San Juan Capistrano); PubMed 32635641 (cited by Quest Diagnostics Nichols Institute San Juan Capistrano); PubMed 37231433 (cited by Quest Diagnostics Nichols Institute San Juan Capistrano).

NM_002439.5(MSH3):c.1160T>A (p.Phe387Tyr)

Gene: MSH3 (mutS homolog 3; plus strand). Cytogenetic location: 5q14.1.
Variant type: single nucleotide variant.
Coding change: c.1160T>A on transcript NM_002439.5 (MANE Select); coding-DNA position 1160, T replaced by A.
Protein change: p.Phe387Tyr; replaces phenylalanine 387 with tyrosine.
Molecular consequence: missense variant.
Genome position (GRCh38, 1-based): chr5:80,675,115, T>A. VCF-style: chr5-80675115-T-A. GRCh37 (hg19) VCF-style: chr5-79970934-T-A.
Other names: short protein forms F387Y.
Identifiers: ClinVar variation 733688 (VCV000733688.27), dbSNP rs140543135, ClinGen allele CA3327809.